The following is an entry in ClinVar:

NM_000701.8(ATP1A1):c.2606_2609del (p.Tyr869fs)

Genes: ATP1A1 (ATPase Na+/K+ transporting subunit alpha 1; plus strand), ATP1A1-AS1 (ATP1A1 antisense RNA 1; minus strand). Cytogenetic location: 1p13.1.
Variant type: Microsatellite.
Coding change: c.2606_2609del on transcript NM_000701.8 (MANE Select); coding-DNA positions 2606 to 2609, 4 bases deleted (ACTT; older notation c.2606_2609delACTT).
Protein change: p.Tyr869fs; shifts the reading frame from tyrosine 869.
Molecular consequence: frameshift variant.
Genome position (GRCh38, 1-based): chr1:116,400,894-116,400,897, ACTT deleted; deleting any 4 consecutive bases within chr1:116,400,888-116,400,897 gives the same sequence; the c. name uses the placement nearest the transcript's 3' end. VCF-style (leftmost placement, unchanged base first): chr1-116400887-TTTAC-T. GRCh37 (hg19) VCF-style: chr1-116943509-TTTAC-T.
Other names: c.2606_2609del, p.Tyr869fs (NM_001160233.2); c.2513_2516del, p.Tyr838fs (NM_001160234.2); short protein forms Y838fs, Y869fs.
Identifiers: ClinVar variation 1396702 (VCV001396702.6), dbSNP rs1387822620, ClinGen allele CA525631476.

ClinVar aggregate classification (germline): Uncertain significance (1 of 4 stars; one submission).

Submission:

Labcorp Genetics (formerly Invitae), Labcorp
Classification: Uncertain significance. Last evaluated: 2022-07-09. Review status: criteria provided, single submitter. Criteria: Invitae Variant Classification Sherloc (09022015). Collection method: clinical testing. Allele origin: germline.
Comment: This variant has not been reported in the literature in individuals affected with ATP1A1-related conditions. In summary, the available evidence is currently insufficient to determine the role of this variant in disease. Therefore, it has been classified as a Variant of Uncertain Significance. This variant is present in population databases (no rsID available, gnomAD 0.0009%). This sequence change creates a premature translational stop signal (p.Tyr869Leufs*2) in the ATP1A1 gene. It is expected to result in an absent or disrupted protein product. However, the current clinical and genetic evidence is not sufficient to establish whether loss-of-function variants in ATP1A1 cause disease.